The following is an entry in ClinVar:

NM_022489.4(INF2):c.264C>T (p.Gly88=)

Gene: INF2 (inverted formin 2; plus strand). Cytogenetic location: 14q32.33.
Variant type: single nucleotide variant.
Coding change: c.264C>T on transcript NM_022489.4 (MANE Select); coding-DNA position 264, C replaced by T.
Protein change: p.Gly88=; no amino-acid change (glycine 88 retained).
Molecular consequence: synonymous variant.
Genome position (GRCh38, 1-based): chr14:104,701,629, C>T. VCF-style: chr14-104701629-C-T. GRCh37 (hg19) VCF-style: chr14-105167966-C-T.
Other names: c.264C>T, p.Gly88= (NM_001031714.4, NM_032714.3).
Identifiers: ClinVar variation 540062 (VCV000540062.21), dbSNP rs201587219, ClinGen allele CA7372252.

ClinVar aggregate classification (germline): Benign/Likely benign. Review status: criteria provided, multiple submitters, no conflicts (2 of 4 stars). 8 submissions from 8 submitters: Benign (5); Likely benign (2). 1 of the submissions does not count toward it. Last evaluated 2026-01-02.

Conditions:
INF2-related disorder. Also called: INF2-related condition.
Focal segmental glomerulosclerosis 5 (FSGS5). Identifiers: Orphanet 656, MedGen C2750475, MONDO:0013191, OMIM 613237.
Charcot-Marie-Tooth disease dominant intermediate E. Also called: CHARCOT-MARIE-TOOTH NEUROPATHY WITH FOCAL SEGMENTAL GLOMERULONEPHRITIS. Identifiers: Orphanet 93114, MedGen C4302667, MONDO:0013758, OMIM 614455.
Inborn genetic diseases. Identifiers: MedGen C0950123, MeSH D030342.

Allele frequency attached by ClinVar (database versions not stated): ESP Exome Variant Server 0.00144; TOPMed 0.00146; gnomAD 0.00150; 1000 Genomes Project 30x 0.00156; 1000 Genomes Project 0.00240.

Submissions (8):

Labcorp Genetics (formerly Invitae), Labcorp
Classification: Benign for Charcot-Marie-Tooth disease dominant intermediate E; Focal segmental glomerulosclerosis 5. Last evaluated: 2026-01-02. Review status: criteria provided, single submitter. Criteria: Invitae Variant Classification Sherloc (09022015). Collection method: clinical testing. Allele origin: germline.

Blueprint Genetics
Classification: Benign. Last evaluated: 2023-11-20. Review status: criteria provided, single submitter. Criteria: ACMG Guidelines, 2015. Collection method: clinical testing. Allele origin: germline.

Fulgent Genetics
Classification: Likely benign for Focal segmental glomerulosclerosis 5; Charcot-Marie-Tooth disease dominant intermediate E. Last evaluated: 2021-11-03. Review status: criteria provided, single submitter. Criteria: ACMG Guidelines, 2015. Collection method: clinical testing. Allele origin: unknown.

GeneDx
Classification: Benign. Last evaluated: 2020-08-30. Review status: criteria provided, single submitter. Criteria: GeneDx Variant Classification Process June 2021. Collection method: clinical testing. Allele origin: germline. Affected: yes.

Athena Diagnostics
Classification: Benign. Last evaluated: 2020-03-11. Review status: criteria provided, single submitter. Criteria: Athena Diagnostics Criteria. Collection method: clinical testing. Allele origin: unknown.

Ambry Genetics
Classification: Likely benign for Inborn genetic diseases. Last evaluated: 2019-07-11. Review status: criteria provided, single submitter. Criteria: Ambry Variant Classification Scheme 2023. Collection method: clinical testing. Allele origin: germline.

Breakthrough Genomics
Classification: Benign. Review status: criteria provided, single submitter. Criteria: ACMG Guidelines, 2015. Collection method: not provided. Allele origin: germline. Inheritance: Autosomal dominant inheritance. Affected: yes.

PreventionGenetics, part of Exact Sciences
Classification: Likely benign for INF2-related condition. Last evaluated: 2019-04-11. Review status: no assertion criteria provided. Collection method: clinical testing. Allele origin: germline. Not counted in ClinVar's aggregate classification.
Comment: This variant is classified as likely benign based on ACMG/AMP sequence variant interpretation guidelines (Richards et al. 2015 PMID: 25741868, with internal and published modifications).